The following is an entry in ClinVar:

NM_018089.3(ANKZF1):c.937C>G (p.Pro313Ala)

Gene: ANKZF1 (ankyrin repeat and zinc finger peptidyl tRNA hydrolase 1; plus strand). Cytogenetic location: 2q35.
Variant type: single nucleotide variant.
Coding change: c.937C>G on transcript NM_018089.3 (MANE Select); coding-DNA position 937, C replaced by G.
Protein change: p.Pro313Ala; replaces proline 313 with alanine.
Molecular consequence: missense variant.
Genome position (GRCh38, 1-based): chr2:219,233,832, C>G. VCF-style: chr2-219233832-C-G. GRCh37 (hg19) VCF-style: chr2-220098554-C-G.
Other names: c.937C>G, p.Pro313Ala (NM_001042410.2); c.307C>G, p.Pro103Ala (NM_001282792.2); short protein forms P313A, P103A.
Identifiers: ClinVar variation 4720499 (VCV004720499.1).

ClinVar aggregate classification (germline): Uncertain significance (1 of 4 stars; one submission).

gnomAD v4.1: 4 of 1,613,998 alleles (0.00025%); highest among the groups gnomAD compares: South Asian, 0.0044%; no homozygotes.

Submission:

Labcorp Genetics (formerly Invitae), Labcorp
Classification: Uncertain significance. Last evaluated: 2025-05-30. Review status: criteria provided, single submitter. Criteria: Invitae Variant Classification Sherloc (09022015). Collection method: clinical testing. Allele origin: germline.
Comment: This sequence change replaces proline, which is neutral and non-polar, with alanine, which is neutral and non-polar, at codon 313 of the ANKZF1 protein (p.Pro313Ala). This variant is present in population databases (rs750162660, gnomAD 0.006%). This variant has not been reported in the literature in individuals affected with ANKZF1-related conditions. An algorithm developed to predict the effect of missense changes on protein structure and function (PolyPhen-2) suggests that this variant is likely to be disruptive. In summary, the available evidence is currently insufficient to determine the role of this variant in disease. Therefore, it has been classified as a Variant of Uncertain Significance.